The following is an entry in ClinVar:

NM_002907.4(RECQL):c.1106T>C (p.Val369Ala)

Gene: RECQL (RecQ like helicase; minus strand). Cytogenetic location: 12p12.1.
Variant type: single nucleotide variant.
Coding change: c.1106T>C on transcript NM_002907.4 (MANE Select); coding-DNA position 1106, T replaced by C.
Protein change: p.Val369Ala; replaces valine 369 with alanine.
Molecular consequence: missense variant.
Genome position (GRCh38, 1-based): chr12:21,475,578, A>G on the plus strand (T>C on the coding strand, the complement: RECQL is on the minus strand). VCF-style: chr12-21475578-A-G. GRCh37 (hg19) VCF-style: chr12-21628512-A-G.
Other names: c.1106T>C, p.Val369Ala (NM_032941.3); short protein forms V369A.
Identifiers: ClinVar variation 1793804 (VCV001793804.2), dbSNP rs2540345309, ClinGen allele CA384120910.
Genomic context (GRCh38, chr12:21,475,578, plus strand): 5'-TGATGGATAACAAACCTCACATCTGGCTTATCAATTCCCATACCAAATGCAACAGTTGCC[A>G]CTACTACCTGAAATATTTTAACATTTTATCAGTTAATTAAATCAAGTTTAAATATTTTAA-3'
Protein context (NP_002898.2, residues 359-379): KWSANEIQVV[Val369Ala]ATVAFGMGID

ClinVar aggregate classification (germline): Uncertain significance (1 of 4 stars; one submission).

Submission:

Ambry Genetics
Classification: Uncertain significance. Last evaluated: 2022-04-07. Review status: criteria provided, single submitter. Criteria: Ambry Variant Classification Scheme 2023. Collection method: clinical testing. Allele origin: germline.
Comment: The p.V369A variant (also known as c.1106T>C), located in coding exon 9 of the RECQL gene, results from a T to C substitution at nucleotide position 1106. The valine at codon 369 is replaced by alanine, an amino acid with similar properties. This amino acid position is conserved. In addition, this alteration is predicted to be deleterious by in silico analysis. Since supporting evidence is limited at this time, the clinical significance of this alteration remains unclear.